The following is an entry in ClinVar:

ClinVar aggregate classification (germline): Uncertain significance. Review status: criteria provided, multiple submitters, no conflicts (2 of 4 stars). 2 submissions from 2 submitters: Uncertain significance (2). Last evaluated 2025-05-20.

Conditions:
Inborn genetic diseases. Identifiers: MedGen C0950123, MeSH D030342.
Immunodeficiency 18 (IMD18). Also called: CD3-EPSILON DEFICIENCY; CD3epsilon deficiency. Identifiers: MedGen C3810127, MONDO:0014278, OMIM 615615.

Allele frequency attached by ClinVar (database versions not stated): ExAC 0.00002; ESP Exome Variant Server 0.00023; gnomAD exomes below 0.00001 and 0.00001; gnomAD 0.00007; TOPMed 0.00008.
gnomAD v4.1: 16 of 1,614,014 alleles (0.00099%); highest among the groups gnomAD compares: African/African-American, 0.02%; no homozygotes.

Submissions (2):

Ambry Genetics
Classification: Uncertain significance for Inborn genetic diseases. Last evaluated: 2025-05-20. Review status: criteria provided, single submitter. Criteria: Ambry Variant Classification Scheme 2023. Collection method: clinical testing. Allele origin: germline.

Labcorp Genetics (formerly Invitae), Labcorp
Classification: Uncertain significance for Immunodeficiency 18. Last evaluated: 2022-09-01. Review status: criteria provided, single submitter. Criteria: Invitae Variant Classification Sherloc (09022015). Collection method: clinical testing. Allele origin: germline.
Comment: This sequence change replaces tyrosine, which is neutral and polar, with histidine, which is basic and polar, at codon 150 of the CD3E protein (p.Tyr150His). This variant is present in population databases (rs146881885, gnomAD 0.02%). This variant has not been reported in the literature in individuals affected with CD3E-related conditions. ClinVar contains an entry for this variant (Variation ID: 1362616). Algorithms developed to predict the effect of missense changes on protein structure and function output the following: SIFT: "Tolerated"; PolyPhen-2: "Benign"; Align-GVGD: "Class C0". The histidine amino acid residue is found in multiple mammalian species, which suggests that this missense change does not adversely affect protein function. In summary, the available evidence is currently insufficient to determine the role of this variant in disease. Therefore, it has been classified as a Variant of Uncertain Significance.

NM_000733.4(CD3E):c.448T>C (p.Tyr150His)

Gene: CD3E (CD3 epsilon subunit of T-cell receptor complex; plus strand). Cytogenetic location: 11q23.3.
Variant type: single nucleotide variant.
Coding change: c.448T>C on transcript NM_000733.4 (MANE Select); coding-DNA position 448, T replaced by C.
Protein change: p.Tyr150His; replaces tyrosine 150 with histidine.
Molecular consequence: missense variant.
Genome position (GRCh38, 1-based): chr11:118,313,802, T>C. VCF-style: chr11-118313802-T-C. GRCh37 (hg19) VCF-style: chr11-118184517-T-C.
Other names: c.448T>C (NM_000733.3); short protein forms Y150H.
Identifiers: ClinVar variation 1362616 (VCV001362616.4), dbSNP rs146881885, ClinGen allele CA6301719.